The following is an entry in ClinVar:

ClinVar aggregate classification (germline): Likely benign. Review status: criteria provided, multiple submitters, no conflicts (2 of 4 stars). 2 submissions from 2 submitters: Likely benign (2). Last evaluated 2025-10-01.

Conditions:
Developmental and epileptic encephalopathy 94 (DEE94). Also called: CHD2-Related Neurodevelopmental Disorders; Epileptic encephalopathy, childhood-onset. Identifiers: Orphanet 1942, Orphanet 2382, MedGen C3809278, MONDO:0014150, OMIM 615369.

Allele frequency attached by ClinVar (database versions not stated): gnomAD exomes 0.00002 and 0.00003; ExAC 0.00005.
gnomAD v4.1: 22 of 1,517,490 alleles (0.0014%); highest among the groups gnomAD compares: South Asian, 0.0068%; 1 homozygote.

Submissions (2):

Labcorp Genetics (formerly Invitae), Labcorp
Classification: Likely benign for Developmental and epileptic encephalopathy 94. Last evaluated: 2025-10-01. Review status: criteria provided, single submitter. Criteria: Invitae Variant Classification Sherloc (09022015). Collection method: clinical testing. Allele origin: germline.

GeneDx
Classification: Likely benign. Last evaluated: 2017-07-05. Review status: criteria provided, single submitter. Criteria: GeneDx Variant Classification (06012015). Collection method: clinical testing. Allele origin: germline. Affected: yes.
Comment: This variant is considered likely benign or benign based on one or more of the following criteria: it is a conservative change, it occurs at a poorly conserved position in the protein, it is predicted to be benign by multiple in silico algorithms, and/or has population frequency not consistent with disease.

NM_001271.4(CHD2):c.3067-19A>G

Gene: CHD2 (chromodomain helicase DNA binding protein 2; plus strand). Cytogenetic location: 15q26.1.
Variant type: single nucleotide variant.
Coding change: c.3067-19A>G on transcript NM_001271.4 (MANE Select); 19 bases into the intron before coding-DNA position 3067, A replaced by G.
Molecular consequence: intron variant.
Genome position (GRCh38, 1-based): chr15:92,984,311, A>G. VCF-style: chr15-92984311-A-G. GRCh37 (hg19) VCF-style: chr15-93527541-A-G.
Identifiers: ClinVar variation 510615 (VCV000510615.4), dbSNP rs749337105, ClinGen allele CA7748147.